The following is an entry in ClinVar:

NM_015450.3(POT1):c.1243A>C (p.Asn415His)

Gene: POT1 (protection of telomeres 1; minus strand). Cytogenetic location: 7q31.33.
Variant type: single nucleotide variant.
Coding change: c.1243A>C on transcript NM_015450.3 (MANE Select); coding-DNA position 1243, A replaced by C.
Protein change: p.Asn415His; replaces asparagine 415 with histidine.
Molecular consequence: missense variant. On other transcripts: non-coding transcript variant (3).
Genome position (GRCh38, 1-based): chr7:124,841,099, T>G on the plus strand (A>C on the coding strand, the complement: POT1 is on the minus strand). VCF-style: chr7-124841099-T-G. GRCh37 (hg19) VCF-style: chr7-124481153-T-G.
Other names: c.850A>C, p.Asn284His (NM_001042594.2); short protein forms N284H, N415H.
Identifiers: ClinVar variation 3781991 (VCV003781991.1).

ClinVar aggregate classification (germline): Uncertain significance (1 of 4 stars; one submission).

Conditions:
Hereditary cancer-predisposing syndrome. Also called: Neoplastic Syndromes, Hereditary; Hereditary Cancer Syndrome; Tumor predisposition; Hereditary neoplastic syndrome. Identifiers: Orphanet 140162, MedGen C0027672, MeSH D009386, MONDO:0015356.

Submission:

Ambry Genetics
Classification: Uncertain significance for Hereditary cancer-predisposing syndrome. Last evaluated: 2024-12-30. Review status: criteria provided, single submitter. Criteria: Ambry Variant Classification Scheme 2023. Collection method: clinical testing. Allele origin: germline.
Comment: The p.N415H variant (also known as c.1243A>C), located in coding exon 10 of the POT1 gene, results from an A to C substitution at nucleotide position 1243. The asparagine at codon 415 is replaced by histidine, an amino acid with similar properties. This amino acid position is conserved. In addition, this alteration is predicted to be tolerated by in silico analysis. Based on the available evidence, the clinical significance of this variant remains unclear.